The following is an entry in ClinVar:

ClinVar aggregate classification (germline): Pathogenic/Likely pathogenic. Review status: criteria provided, multiple submitters, no conflicts (2 of 4 stars). 8 submissions from 8 submitters: Pathogenic (6); Likely pathogenic (1). 1 of the submissions does not count toward it. Last evaluated 2025-12-13.

Conditions:
Hereditary hyperinsulinism.
Type 2 diabetes mellitus. Also called: Type II diabetes mellitus. Identifiers: MedGen C0011860, MeSH D003924, MONDO:0005148, OMIM 125853, HP:0005978.
Diabetes mellitus, transient neonatal, 2 (TNDM2). Identifiers: Orphanet 99886, MedGen C1835887, MONDO:0012480, OMIM 610374. Disease mechanism: loss of function.
Hyperinsulinemic hypoglycemia, familial, 1 (HHF1). Also called: Persistent hyperinsulinemic hypoglycemia of infancy; HYPERINSULINISM, FAMILIAL, WITH PANCREATIC NESIDIOBLASTOSIS; HYPOGLYCEMIA, HYPERINSULINEMIC, OF INFANCY; Persistent Hyperinsulinemia Hypoglycemia of Infancy; NESIDIOBLASTOSIS OF PANCREAS. Identifiers: Orphanet 276575, Orphanet 276598, MedGen C2931832, MONDO:0009734, OMIM 256450.
Leucine-induced hypoglycemia (LIH). Also called: LEUCINE-SENSITIVE HYPOGLYCEMIA OF INFANCY. Identifiers: MedGen C0271714, MONDO:0009415, OMIM 240800.
Diabetes mellitus, permanent neonatal 3. Also called: ABCC8-Related Permanent Neonatal Diabetes Mellitus. Identifiers: MedGen C5394303, MONDO:0030088, OMIM 618857.

Allele frequency attached by ClinVar (database versions not stated): TOPMed 0.00002; gnomAD 0.00001; ExAC 0.00005; gnomAD exomes below 0.00001 and 0.00001.
gnomAD v4.1: 6 of 1,550,632 alleles (0.00039%); highest among the groups gnomAD compares: African/African-American, 0.0014%; no homozygotes.

Submissions (8):

Labcorp Genetics (formerly Invitae), Labcorp
Classification: Pathogenic. Last evaluated: 2025-12-13. Review status: criteria provided, single submitter. Criteria: Invitae Variant Classification Sherloc (09022015). Collection method: clinical testing. Allele origin: germline.
Comment: This sequence change creates a premature translational stop signal (p.Arg1436*) in the ABCC8 gene. It is expected to result in an absent or disrupted protein product. Loss-of-function variants in ABCC8 are known to be pathogenic (PMID: 20685672, 23345197). The frequency data for this variant in the population databases is considered unreliable, as metrics indicate poor data quality at this position in the gnomAD database. This premature translational stop signal has been observed in individual(s) with congenital hyperinsulinism (PMID: 21411514). This variant is also known as p.Arg1437X. ClinVar contains an entry for this variant (Variation ID: 35617). For these reasons, this variant has been classified as Pathogenic.

Natera, Inc.
Classification: Pathogenic for Hereditary hyperinsulinism. Last evaluated: 2025-01-29. Review status: criteria provided, single submitter. Criteria: Natera Variant Classification Schema (03/2026). Collection method: clinical testing. Allele origin: germline.
Comment: The c.4306C>T variant in ABCC8 is a nonsense variant predicted to introduce a stop codon at amino acid 1436. This variant is expected to result in nonsense mediated decay, truncation, or a dysfunctional protein product. This variant is rare in the general population with a frequency below the threshold expected for the associated phenotype(s). This variant has been observed in one or more individuals affected with the associated recessive disease, as either homozygous or compound heterozygous with a second variant (PMID: 23345197). Given the available evidence, this variant is classified as Pathogenic.

Fulgent Genetics
Classification: Likely pathogenic for Type 2 diabetes mellitus; Leucine-induced hypoglycemia; Hyperinsulinemic hypoglycemia, familial, 1; Diabetes mellitus, transient neonatal, 2; Diabetes mellitus, permanent neonatal 3. Last evaluated: 2024-04-07. Review status: criteria provided, single submitter. Criteria: ACMG Guidelines, 2015. Collection method: clinical testing. Allele origin: germline.

Baylor Genetics
Classification: Pathogenic for Type 2 diabetes mellitus. Last evaluated: 2023-09-27. Review status: criteria provided, single submitter. Criteria: ACMG Guidelines, 2015. Collection method: clinical testing. Allele origin: unknown.

GeneDx
Classification: Pathogenic. Last evaluated: 2023-03-29. Review status: criteria provided, single submitter. Criteria: GeneDx Variant Classification Process June 2021. Collection method: clinical testing. Allele origin: germline. Affected: yes.
Comment: Nonsense variant predicted to result in protein truncation or nonsense mediated decay in a gene for which loss of function is a known mechanism of disease; Not observed at significant frequency in large population cohorts (gnomAD); Also known as p.R1437X and p.Arg1437*; This variant is associated with the following publications: (PMID: 25525159, 9642650, 34462253, 36208030, 27682711, 23345197, 18073294, 30186238, 21411514, 23275527)

Genetic Services Laboratory, University of Chicago
Classification: Pathogenic. Last evaluated: 2019-09-10. Review status: criteria provided, single submitter. Criteria: ACMG Guidelines, 2015. Collection method: clinical testing. Allele origin: germline. Affected: yes.

Women's Health and Genetics/Laboratory Corporation of America, LabCorp
Classification: Pathogenic for Hyperinsulinemic hypoglycemia, familial, 1. Last evaluated: 2019-07-29. Review status: criteria provided, single submitter. Criteria: LabCorp Variant Classification Summary - May 2015. Collection method: clinical testing. Allele origin: germline.
Comment: Variant summary: ABCC8 c.4306C>T (p.Arg1436X) results in a premature termination codon, predicted to cause a truncation of the encoded protein or absence of the protein due to nonsense mediated decay, which are commonly known mechanisms for disease. In addition, the variant is located close to a canonical splice site and therefore could affect mRNA splicing. 5/5 computational tools predict no significant impact on normal splicing. However, these predictions have yet to be confirmed by functional studies. The variant allele was found at a frequency of 1.3e-05 in 157474 control chromosomes (gnomAD). c.4306C>T has been reported in the literature, in homozygous- or compound heterozygous state, in multiple individuals affected with diffuse Congenital Hyperinsulinism (CHI) (e.g. Aynsley-Green_1998, Kapoor_2013, Snider_2013, Warncke_2016) and was also found in heterozygosity in patients affected with the focal form of the disease (Barthlen_2008, Bendix_2018) that is consistent with the genetic mechanism of focal CHI (Bendix_2018). These data indicate that the variant is very likely to be associated with disease. At least one publication reported experimental evidence evaluating an impact on protein function. The most pronounced variant effect results in <10% of normal activity (Aynsley-Green_1998). Two other submitters have provided clinical-significance assessments for this variant to ClinVar after 2014 without evidence for independent evaluation, and both of them classified the variant as likely pathogenic. Based on the evidence outlined above, the variant was classified as pathogenic.

Counsyl
Classification: Likely pathogenic for Persistent hyperinsulinemic hypoglycemia of infancy. Last evaluated: 2015-01-29. Review status: no assertion criteria provided. Collection method: literature only. Allele origin: unknown. Inheritance: Autosomal recessive inheritance. Not counted in ClinVar's aggregate classification.

Literature cited by the submitters: PubMed 20685672 (cited by Labcorp Genetics (formerly Invitae), Labcorp); PubMed 23345197 (cited by 4 submitters); PubMed 21411514 (cited by 3 submitters); PubMed 9642650 (cited by Women's Health and Genetics/Laboratory Corporation of America, LabCorp); PubMed 23275527 (cited by Women's Health and Genetics/Laboratory Corporation of America, LabCorp); PubMed 27682711 (cited by Women's Health and Genetics/Laboratory Corporation of America, LabCorp); PubMed 18073294 (cited by Women's Health and Genetics/Laboratory Corporation of America, LabCorp and Counsyl); PubMed 30186238 (cited by Women's Health and Genetics/Laboratory Corporation of America, LabCorp).

NM_000352.6(ABCC8):c.4306C>T (p.Arg1436Ter)

Gene: ABCC8 (ATP binding cassette subfamily C member 8; minus strand). Cytogenetic location: 11p15.1.
Variant type: single nucleotide variant.
Coding change: c.4306C>T on transcript NM_000352.6 (MANE Select); coding-DNA position 4306, C replaced by T.
Protein change: p.Arg1436Ter; replaces arginine 1436 with a stop codon.
Molecular consequence: nonsense. On other transcripts: non-coding transcript variant (1).
Genome position (GRCh38, 1-based): chr11:17,395,611, G>A on the plus strand (C>T on the coding strand, the complement: ABCC8 is on the minus strand). VCF-style: chr11-17395611-G-A. GRCh37 (hg19) VCF-style: chr11-17417158-G-A.
Other names: c.4309C>T, p.Arg1437Ter (NM_001287174.3); c.4372C>T, p.Arg1458Ter (NM_001351295.2); c.4306C>T, p.Arg1436Ter (NM_001351296.2); c.4303C>T, p.Arg1435Ter (NM_001351297.2); short protein forms R1436*, R1437*, R1458*, R1435*.
Identifiers: ClinVar variation 35617 (VCV000035617.20), dbSNP rs193922402, ClinGen allele CA260104.
Genomic context (GRCh38, chr11:17,395,611, plus strand): 5'-GATCTGATGGAACTGAGCCGGCCTGGGGCTGGGTGGGCCTGAGGGGTGGTGGGGCTCACC[G>A]GATGGTGCCGCTGAAGAGGACGGGGTCCTGCAGGATGATGGAGAGGCGTGAGCGCAGGGT-3'